The following is an entry in ClinVar:

NM_015158.5(KANK1):c.704T>C (p.Met235Thr)

Gene: KANK1 (KN motif and ankyrin repeat domains 1; plus strand). Cytogenetic location: 9p24.3.
Variant type: single nucleotide variant.
Coding change: c.704T>C on transcript NM_015158.5 (MANE Select); coding-DNA position 704, T replaced by C.
Protein change: p.Met235Thr; replaces methionine 235 with threonine.
Molecular consequence: missense variant. On other transcripts: non-coding transcript variant (1).
Genome position (GRCh38, 1-based): chr9:711,470, T>C. VCF-style: chr9-711470-T-C. GRCh37 (hg19) VCF-style: chr9-711470-T-C.
Other names: c.704T>C (NM_015158.2); c.704T>C, p.Met235Thr (NM_001256876.3, NM_001256877.3, NM_001354331.2 and 2 more transcripts); c.230T>C, p.Met77Thr (NM_001354333.2, NM_001354335.2, NM_001354336.2 and 9 more transcripts); short protein forms M77T, M235T.
Identifiers: ClinVar variation 1923440 (VCV001923440.6), dbSNP rs370898301, ClinGen allele CA4960019.

ClinVar aggregate classification (germline): Conflicting classifications of pathogenicity. Review status: criteria provided, conflicting classifications (1 of 4 stars). 2 submissions from 2 submitters: Uncertain significance (1); Likely benign (1). Last evaluated 2025-02-19.

Allele frequency attached by ClinVar (database versions not stated): ExAC 0.00001; gnomAD 0.00001; TOPMed 0.00001; gnomAD exomes 0.00004; ESP Exome Variant Server 0.00008.
gnomAD v4.1: 63 of 1,613,954 alleles (0.0039%); highest among the groups gnomAD compares: Non-Finnish European, 0.0052%; no homozygotes.

Submissions (2):

Ambry Genetics
Classification: Likely benign. Last evaluated: 2025-02-19. Review status: criteria provided, single submitter. Criteria: Ambry Variant Classification Scheme 2023. Collection method: clinical testing. Allele origin: germline.

Labcorp Genetics (formerly Invitae), Labcorp
Classification: Uncertain significance. Last evaluated: 2023-12-21. Review status: criteria provided, single submitter. Criteria: Invitae Variant Classification Sherloc (09022015). Collection method: clinical testing. Allele origin: germline.
Comment: This sequence change replaces methionine, which is neutral and non-polar, with threonine, which is neutral and polar, at codon 235 of the KANK1 protein (p.Met235Thr). This variant is present in population databases (rs370898301, gnomAD 0.008%). This variant has not been reported in the literature in individuals affected with KANK1-related conditions. ClinVar contains an entry for this variant (Variation ID: 1923440). Advanced modeling of protein sequence and biophysical properties (such as structural, functional, and spatial information, amino acid conservation, physicochemical variation, residue mobility, and thermodynamic stability) performed at Invitae indicates that this missense variant is not expected to disrupt KANK1 protein function with a negative predictive value of 80%. In summary, the available evidence is currently insufficient to determine the role of this variant in disease. Therefore, it has been classified as a Variant of Uncertain Significance.